The following is an entry in ClinVar:

NM_017849.4(TMEM127):c.-59C>T

Genes: TMEM127 (transmembrane protein 127; minus strand), LOC129934333 (ATAC-STARR-seq lymphoblastoid silent region 11759; plus strand). Cytogenetic location: 2q11.2.
Variant type: single nucleotide variant.
Coding change: c.-59C>T on transcript NM_017849.4 (MANE Select); 59 bases upstream of the start codon, C replaced by T.
Molecular consequence: 5 prime UTR variant.
Genome position (GRCh38, 1-based): chr2:96,265,440, G>A on the plus strand (C>T on the coding strand, the complement: TMEM127 is on the minus strand). VCF-style: chr2-96265440-G-A. GRCh37 (hg19) VCF-style: chr2-96931178-G-A.
Other names: c.-59C>T (NM_001193304.3).
Identifiers: ClinVar variation 337509 (VCV000337509.5), dbSNP rs542087360, ClinGen allele CA10616377.
Genomic context (GRCh38, chr2:96,265,440, plus strand): 5'-ATGCCCGGGGCCGCCCGCCGTCGCTCCGCAGTCGCTGCTGGTCGCCGCCGACCTCCGCGG[G>A]GCGCGCAGAGCCTGACAGTCCGGTGGAGGATAGCAACGCTCCGGGTTCGCTGCAGGTGAA-3'

ClinVar aggregate classification (germline): Benign (1 of 4 stars; one submission).

Conditions:
Pheochromocytoma. Also called: MAX-Related Hereditary Paraganglioma-Pheochromocytoma Syndrome. Identifiers: Orphanet 29072, MedGen C0031511, MONDO:0008233, OMIM 171300, HP:0002666.

Allele frequency attached by ClinVar (database versions not stated): 1000 Genomes Project 30x 0.00031; 1000 Genomes Project 0.00060; TOPMed 0.00081; gnomAD 0.00092 and 0.00093; gnomAD exomes 0.00176.
gnomAD v4.1: 2,186 of 1,309,248 alleles (0.17%); highest among the groups gnomAD compares: Non-Finnish European, 0.2%; 1 homozygote.

Submission:

Illumina Laboratory Services, Illumina
Classification: Benign for Pheochromocytoma. Last evaluated: 2018-01-13. Review status: criteria provided, single submitter. Criteria: ICSL Variant Classification Criteria 13 December 2019. Collection method: clinical testing. Allele origin: germline.
Comment: This variant was observed in the ICSL laboratory as part of a predisposition screen in an ostensibly healthy population. It had not been previously curated by ICSL or reported in the Human Gene Mutation Database (HGMD: prior to June 1st, 2018), and was therefore a candidate for classification through an automated scoring system. Utilizing variant allele frequency, disease prevalence and penetrance estimates, and inheritance mode, an automated score was calculated to assess if this variant is too frequent to cause the disease. Based on the score and internal cut-off values, a variant classified as benign is not then subjected to further curation. The score for this variant resulted in a classification of benign for this disease.